The following is an entry in ClinVar:

NM_000065.5(C6):c.1219C>T (p.Arg407Cys)

Gene: C6 (complement C6; minus strand). Cytogenetic location: 5p13.1.
Variant type: single nucleotide variant.
Coding change: c.1219C>T on transcript NM_000065.5 (MANE Select); coding-DNA position 1219, C replaced by T.
Protein change: p.Arg407Cys; replaces arginine 407 with cysteine.
Molecular consequence: missense variant.
Genome position (GRCh38, 1-based): chr5:41,172,297, G>A on the plus strand (C>T on the coding strand, the complement: C6 is on the minus strand). VCF-style: chr5-41172297-G-A. GRCh37 (hg19) VCF-style: chr5-41172399-G-A.
Other names: c.1219C>T, p.Arg407Cys (NM_001115131.4); short protein forms R407C.
Identifiers: ClinVar variation 1374116 (VCV001374116.9), dbSNP rs147449601, ClinGen allele CA3252526.
Genomic context (GRCh38, chr5:41,172,297, plus strand): 5'-CTGACAGCTTGTTGGTGGTGCACCTATGTTCCACTTTTGTTTTCTTAGCAAATAAAACGC[G>A]TTTCTTTGTTTCAATCCTGACACAGTGTTTGGCTTCTTCCTCGGTTAAACCTAGGAGATG-3'
Protein context (NP_000056.2, residues 397-417): KHCVRIETKK[Arg407Cys]VLFAKKTKVE

ClinVar aggregate classification (germline): Uncertain significance. Review status: criteria provided, multiple submitters, no conflicts (2 of 4 stars). 2 submissions from 2 submitters: Uncertain significance (2). Last evaluated 2021-08-25.

Conditions:
Complement component 6 deficiency (C6D). Also called: C6 DEFICIENCY. Identifiers: MedGen C2676232, MONDO:0012908, OMIM 612446.

Allele frequency attached by ClinVar (database versions not stated): 1000 Genomes Project 0.00020; 1000 Genomes Project 30x 0.00031.

Submissions (2):

Fulgent Genetics
Classification: Uncertain significance for Complement component 6 deficiency. Last evaluated: 2021-08-25. Review status: criteria provided, single submitter. Criteria: ACMG Guidelines, 2015. Collection method: clinical testing. Allele origin: unknown.

Labcorp Genetics (formerly Invitae), Labcorp
Classification: Uncertain significance. Last evaluated: 2021-03-12. Review status: criteria provided, single submitter. Criteria: Invitae Variant Classification Sherloc (09022015). Collection method: clinical testing. Allele origin: germline.
Comment: In summary, the available evidence is currently insufficient to determine the role of this variant in disease. Therefore, it has been classified as a Variant of Uncertain Significance. Algorithms developed to predict the effect of missense changes on protein structure and function are either unavailable or do not agree on the potential impact of this missense change (SIFT: "Tolerated"; PolyPhen-2: "Probably Damaging"; Align-GVGD: "Class C0"). This variant has not been reported in the literature in individuals with C6-related conditions. This variant is present in population databases (rs147449601, ExAC 0.009%). This sequence change replaces arginine with cysteine at codon 407 of the C6 protein (p.Arg407Cys). The arginine residue is moderately conserved and there is a large physicochemical difference between arginine and cysteine.